The following is an entry in ClinVar:

ClinVar aggregate classification (germline): Uncertain significance. Review status: criteria provided, multiple submitters, no conflicts (2 of 4 stars). 2 submissions from 2 submitters: Uncertain significance (2). Last evaluated 2025-05-22.

Conditions:
Cardiovascular phenotype. Identifiers: MedGen CN230736.
TTN-related disorder. Also called: TTN-related disorders; TTN-related condition; TTN-related disease.

Allele frequency attached by ClinVar (database versions not stated): ExAC 0.00004.
gnomAD v4.1: 10 of 1,614,064 alleles (0.00062%); highest among the groups gnomAD compares: African/African-American, 0.013%; no homozygotes.

Submissions (2):

PreventionGenetics, part of Exact Sciences
Classification: Uncertain significance for TTN-related condition. Last evaluated: 2025-05-22. Review status: criteria provided, single submitter. Criteria: ACMG Guidelines, 2015. Collection method: clinical testing. Allele origin: germline.
Comment: The TTN c.1397A>G variant is predicted to result in the amino acid substitution p.Gln466Arg. To our knowledge, this variant has not been reported in the literature. This variant is reported in 0.037% of alleles in individuals of African descent in gnomAD. At this time, the clinical significance of this variant is uncertain due to the absence of conclusive functional and genetic evidence.

Ambry Genetics
Classification: Uncertain significance for Cardiovascular phenotype. Last evaluated: 2017-12-29. Review status: criteria provided, single submitter. Criteria: Ambry Variant Classification Scheme 2023. Collection method: clinical testing. Allele origin: germline.
Comment: The p.Q466R variant (also known as c.1397A>G), located in coding exon 7 of the TTN gene, results from an A to G substitution at nucleotide position 1397. The glutamine at codon 466 is replaced by arginine, an amino acid with highly similar properties. This amino acid position is highly conserved in available vertebrate species. In addition, this alteration is predicted to be probably damaging and unknown by PolyPhen and SIFT in silico analyses, respectively. Since supporting evidence is limited at this time, the clinical significance of this alteration remains unclear.

NM_001267550.2(TTN):c.1397A>G (p.Gln466Arg)

Gene: TTN (titin; minus strand). Cytogenetic location: 2q31.2.
Variant type: single nucleotide variant.
Coding change: c.1397A>G on transcript NM_001267550.2 (MANE Select); coding-DNA position 1397, A replaced by G.
Protein change: p.Gln466Arg; replaces glutamine 466 with arginine.
Molecular consequence: missense variant.
Genome position (GRCh38, 1-based): chr2:178,794,400, T>C on the plus strand (A>G on the coding strand, the complement: TTN is on the minus strand). VCF-style: chr2-178794400-T-C. GRCh37 (hg19) VCF-style: chr2-179659127-T-C.
Other names: c.1397A>G, p.Gln466Arg (NM_001256850.1, NM_003319.4, NM_133378.4 and 3 more transcripts); short protein forms Q466R.
Identifiers: ClinVar variation 1771657 (VCV001771657.3), dbSNP rs150282120, ClinGen allele CA2006071.
Genomic context (GRCh38, chr2:178,794,400, plus strand): 5'-AGTTAATGTGCACTGAAGGACGTGGCTCTGCGGGTGCCCCATGGCAGCCTCGCACGTACC[T>C]GTTCTTGAGCAGGTTGGATGTGCACAGCAGTCGTGGTTGTCCTCTGAGCAGTCTGCTCTA-3'
Protein context (NP_001254479.2, residues 456-476): TAVHIQPAQE[Gln466Arg]VRKEAEKTAV